The following is an entry in ClinVar:

ClinVar aggregate classification (germline): Uncertain significance. Review status: criteria provided, multiple submitters, no conflicts (2 of 4 stars). 2 submissions from 2 submitters: Uncertain significance (2). Last evaluated 2025-04-08.

Conditions:
POLD1-related polyposis and colorectal cancer syndrome (CRCS10). Also called: Colorectal cancer 10; COLORECTAL CANCER, SUSCEPTIBILITY TO, ON CHROMOSOME 19q; Colorectal cancer, susceptibility to, 10. Identifiers: Orphanet 220460, MedGen C2675481, MONDO:0012953, OMIM 612591.
Hereditary cancer-predisposing syndrome. Also called: Hereditary neoplastic syndrome; Tumor predisposition; Neoplastic Syndromes, Hereditary; Hereditary Cancer Syndrome. Identifiers: Orphanet 140162, MedGen C0027672, MeSH D009386, MONDO:0015356.

gnomAD v4.1: 1 of 1,612,198 alleles (0.000062%); highest among the groups gnomAD compares: Non-Finnish European, 0.000085%; no homozygotes.

Submissions (2):

Ambry Genetics
Classification: Uncertain significance for Hereditary cancer-predisposing syndrome. Last evaluated: 2025-04-08. Review status: criteria provided, single submitter. Criteria: Ambry Variant Classification Scheme 2023. Collection method: clinical testing. Allele origin: germline.
Comment: The p.A779V variant (also known as c.2336C>T), located in coding exon 18 of the POLD1 gene, results from a C to T substitution at nucleotide position 2336. The alanine at codon 779 is replaced by valine, an amino acid with similar properties. This amino acid position is highly conserved in available vertebrate species. In addition, the in silico prediction for this alteration is inconclusive. Based on the available evidence, the clinical significance of this variant remains unclear.

Labcorp Genetics (formerly Invitae), Labcorp
Classification: Uncertain significance for POLD1-related polyposis and colorectal cancer syndrome. Last evaluated: 2022-07-31. Review status: criteria provided, single submitter. Criteria: Invitae Variant Classification Sherloc (09022015). Collection method: clinical testing. Allele origin: germline.
Comment: This sequence change replaces alanine, which is neutral and non-polar, with valine, which is neutral and non-polar, at codon 779 of the POLD1 protein (p.Ala779Val). This variant is not present in population databases (gnomAD no frequency). This variant has not been reported in the literature in individuals affected with POLD1-related conditions. ClinVar contains an entry for this variant (Variation ID: 947816). Algorithms developed to predict the effect of missense changes on protein structure and function are either unavailable or do not agree on the potential impact of this missense change (SIFT: "Deleterious"; PolyPhen-2: "Probably Damaging"; Align-GVGD: "Class C0"). In summary, the available evidence is currently insufficient to determine the role of this variant in disease. Therefore, it has been classified as a Variant of Uncertain Significance.

NM_002691.4(POLD1):c.2336C>T (p.Ala779Val)

Gene: POLD1 (DNA polymerase delta 1, catalytic subunit; plus strand). Cytogenetic location: 19q13.33.
Variant type: single nucleotide variant.
Coding change: c.2336C>T on transcript NM_002691.4 (MANE Select); coding-DNA position 2336, C replaced by T.
Protein change: p.Ala779Val; replaces alanine 779 with valine.
Molecular consequence: missense variant. On other transcripts: non-coding transcript variant (1).
Genome position (GRCh38, 1-based): chr19:50,413,827, C>T. VCF-style: chr19-50413827-C-T. GRCh37 (hg19) VCF-style: chr19-50917084-C-T.
Other names: c.2336C>T, p.Ala779Val (NM_001256849.1); c.2414C>T, p.Ala805Val (NM_001308632.1); short protein forms A779V, A805V.
Identifiers: ClinVar variation 947816 (VCV000947816.13), dbSNP rs1410087763, ClinGen allele CA406984225.